The following is an entry in ClinVar:

NM_000038.6(APC):c.1908_1909dup (p.Gly637fs)

Gene: APC (APC regulator of Wnt signaling pathway; plus strand). Cytogenetic location: 5q22.2.
Variant type: Duplication.
Coding change: c.1908_1909dup on transcript NM_000038.6 (MANE Select); coding-DNA positions 1908 to 1909, 2 bases duplicated (TG; older notation c.1908_1909dupTG).
Protein change: p.Gly637fs; shifts the reading frame from glycine 637.
Molecular consequence: frameshift variant.
Genome position (GRCh38, 1-based): chr5:112,835,115-112,835,116, TG duplicated; duplicating any 2 consecutive bases within chr5:112,835,114-112,835,116 gives the same sequence; the c. name uses the placement nearest the transcript's 3' end. VCF-style (leftmost placement, unchanged base first): chr5-112835113-G-GGT. GRCh37 (hg19) VCF-style: chr5-112170810-G-GGT.
Other names: c.1908_1909dup, p.Gly637fs (NM_001127510.3, NM_001354895.2); c.1854_1855dup, p.Gly619fs (NM_001127511.3); c.1962_1963dup, p.Gly655fs (NM_001354896.2); c.1938_1939dup, p.Gly647fs (NM_001354897.2); c.1833_1834dup, p.Gly612fs (NM_001354898.2); c.1824_1825dup, p.Gly609fs (NM_001354899.2); c.1785_1786dup, p.Gly596fs (NM_001354900.2); c.1731_1732dup, p.Gly578fs (NM_001354901.2); and 5 more; short protein forms G354fs, G477fs, G511fs, G536fs, G546fs, G578fs, G596fs, G609fs.
Identifiers: ClinVar variation 1012188 (VCV001012188.3), dbSNP rs1764733583, ClinGen allele CA1573471390.

ClinVar aggregate classification (germline): Pathogenic/Likely pathogenic. Review status: criteria provided, multiple submitters, no conflicts (2 of 4 stars). 2 submissions from 2 submitters: Pathogenic (1); Likely pathogenic (1). Last evaluated 2023-05-03.

Conditions:
Familial adenomatous polyposis 1 (FAP1). Also called: FAMILIAL ADENOMATOUS POLYPOSIS 1, ATTENUATED; POLYPOSIS, ADENOMATOUS INTESTINAL. Identifiers: MedGen C2713442, MONDO:0021056, OMIM 175100. Disease mechanism: loss of function.

Submissions (2):

Myriad Genetics, Inc.
Classification: Pathogenic for Familial adenomatous polyposis 1. Last evaluated: 2023-05-03. Review status: criteria provided, single submitter. Criteria: Myriad Autosomal Dominant, Autosomal Recessive and X-Linked Classification Criteria (2023). Collection method: clinical testing. Allele origin: unknown.
Comment: This variant is considered pathogenic. This variant creates a frameshift predicted to result in premature protein truncation.

Department of Molecular Diagnostics, Institute of Oncology Ljubljana
Classification: Likely pathogenic for Familial adenomatous polyposis 1. Last evaluated: 2020-04-02. Review status: criteria provided, single submitter. Criteria: ACMG Guidelines, 2015. Collection method: clinical testing. Allele origin: germline. Affected: yes.